The following is an entry in ClinVar:

NM_001378778.1(MPDZ):c.1064C>G (p.Pro355Arg)

Gene: MPDZ (multiple PDZ domain crumbs cell polarity complex component; minus strand). Cytogenetic location: 9p23.
Variant type: single nucleotide variant.
Coding change: c.1064C>G on transcript NM_001378778.1 (MANE Select); coding-DNA position 1064, C replaced by G.
Protein change: p.Pro355Arg; replaces proline 355 with arginine.
Molecular consequence: missense variant.
Genome position (GRCh38, 1-based): chr9:13,219,581, G>C on the plus strand (C>G on the coding strand, the complement: MPDZ is on the minus strand). VCF-style: chr9-13219581-G-C. GRCh37 (hg19) VCF-style: chr9-13219580-G-C.
Other names: c.1064C>G, p.Pro355Arg (NM_001261406.2, NM_001261407.2, NM_001330637.2 and 14 more transcripts); short protein forms P355R.
Identifiers: ClinVar variation 1421173 (VCV001421173.6), dbSNP rs1686629258, ClinGen allele CA372945511.

ClinVar aggregate classification (germline): Uncertain significance (1 of 4 stars; one submission).

Submission:

Labcorp Genetics (formerly Invitae), Labcorp
Classification: Uncertain significance. Last evaluated: 2022-03-09. Review status: criteria provided, single submitter. Criteria: Invitae Variant Classification Sherloc (09022015). Collection method: clinical testing. Allele origin: germline.
Comment: This sequence change replaces proline, which is neutral and non-polar, with arginine, which is basic and polar, at codon 355 of the MPDZ protein (p.Pro355Arg). This variant is not present in population databases (gnomAD no frequency). In summary, the available evidence is currently insufficient to determine the role of this variant in disease. Therefore, it has been classified as a Variant of Uncertain Significance. Algorithms developed to predict the effect of missense changes on protein structure and function (SIFT, PolyPhen-2, Align-GVGD) all suggest that this variant is likely to be tolerated. This missense change has been observed in individual(s) with retinitis pigmentosa (Invitae).